The following is an entry in ClinVar:

NM_005257.6(GATA6):c.296T>C (p.Val99Ala)

Gene: GATA6 (GATA binding protein 6; plus strand). Cytogenetic location: 18q11.2.
Variant type: single nucleotide variant.
Coding change: c.296T>C on transcript NM_005257.6 (MANE Select); coding-DNA position 296, T replaced by C.
Protein change: p.Val99Ala; replaces valine 99 with alanine.
Molecular consequence: missense variant.
Genome position (GRCh38, 1-based): chr18:22,171,440, T>C. VCF-style: chr18-22171440-T-C. GRCh37 (hg19) VCF-style: chr18-19751401-T-C.
Other names: short protein forms V99A.
Identifiers: ClinVar variation 2062474 (VCV002062474.4), dbSNP rs758629279, ClinGen allele CA8908862.

ClinVar aggregate classification (germline): Uncertain significance (1 of 4 stars; one submission).

Conditions:
Atrioventricular septal defect 5 (AVSD5). Identifiers: MedGen C3280939, MONDO:0013769, OMIM 614474.

Allele frequency attached by ClinVar (database versions not stated): ExAC 0.00001; gnomAD 0.00001; gnomAD exomes 0.00001; TOPMed 0.00003.

Submission:

Labcorp Genetics (formerly Invitae), Labcorp
Classification: Uncertain significance for Atrioventricular septal defect 5. Last evaluated: 2026-01-15. Review status: criteria provided, single submitter. Criteria: Invitae Variant Classification Sherloc (09022015). Collection method: clinical testing. Allele origin: germline.
Comment: This sequence change replaces valine, which is neutral and non-polar, with alanine, which is neutral and non-polar, at codon 99 of the GATA6 protein (p.Val99Ala). This variant is present in population databases (rs758629279, gnomAD 0.006%). This missense change has been observed in individual(s) with hypertrophic cardiomyopathy (PMID: 28381408). ClinVar contains an entry for this variant (Variation ID: 2062474). An algorithm developed to predict the effect of missense changes on protein structure and function (PolyPhen-2) suggests that this variant is likely to be disruptive. In summary, the available evidence is currently insufficient to determine the role of this variant in disease. Therefore, it has been classified as a Variant of Uncertain Significance.

Literature cited by the submitters: PubMed 28381408.